The following is an entry in ClinVar:

NM_006922.4(SCN3A):c.3723_3727dup (p.Ala1243fs)

Gene: SCN3A (sodium voltage-gated channel alpha subunit 3; minus strand). Cytogenetic location: 2q24.3.
Variant type: Duplication.
Coding change: c.3723_3727dup on transcript NM_006922.4 (MANE Select); coding-DNA positions 3723 to 3727, 5 bases duplicated (ATATG; older notation c.3723_3727dupATATG).
Protein change: p.Ala1243fs; shifts the reading frame from alanine 1243.
Molecular consequence: frameshift variant.
Genome position (GRCh38, 1-based): chr2:165,113,001-165,113,005, CATAT duplicated on the plus strand (ATATG on the coding strand, the reverse complement: SCN3A is on the minus strand). VCF-style (leftmost placement, unchanged base first): chr2-165113000-G-GCATAT. GRCh37 (hg19) VCF-style: chr2-165969510-G-GCATAT.
Other names: c.3576_3580dup, p.Ala1194fs (NM_001081676.2, NM_001081677.2); short protein forms A1194fs, A1243fs.
Identifiers: ClinVar variation 3384046 (VCV003384046.1).

ClinVar aggregate classification (germline): Likely pathogenic (1 of 4 stars; one submission).

Conditions:
Epilepsy. Also called: Seizure disorder. Identifiers: MedGen C0014544, MeSH D004827, MONDO:0005027.

Submission:

Dubai Health Genomic Medicine Center, Dubai Health
Classification: Likely pathogenic for Epilepsy. Last evaluated: 2024-10-04. Review status: criteria provided, single submitter. Criteria: ACMG Guidelines, 2015. Collection method: research. Allele origin: germline. Affected: yes.
Comment: PVS1,PM2